The following is an entry in ClinVar:

ClinVar aggregate classification (germline): Uncertain significance (1 of 4 stars; one submission).

Conditions:
Nemaline myopathy 2 (NEM2). Also called: Nemaline myopathy 2, autosomal recessive. Identifiers: MedGen C1850569, MONDO:0009725, OMIM 256030.

Allele frequency attached by ClinVar (database versions not stated): gnomAD exomes 0.00001.
gnomAD v4.1: 11 of 1,613,836 alleles (0.00068%); highest among the groups gnomAD compares: Non-Finnish European, 0.00093%; no homozygotes.

Submission:

Labcorp Genetics (formerly Invitae), Labcorp
Classification: Uncertain significance for Nemaline myopathy 2. Last evaluated: 2021-05-02. Review status: criteria provided, single submitter. Criteria: Invitae Variant Classification Sherloc (09022015). Collection method: clinical testing. Allele origin: germline.
Comment: This sequence change replaces cysteine with arginine at codon 650 of the NEB protein (p.Cys650Arg). The cysteine residue is moderately conserved and there is a large physicochemical difference between cysteine and arginine. This variant is not present in population databases (ExAC no frequency). This variant has not been reported in the literature in individuals with NEB-related conditions. Algorithms developed to predict the effect of missense changes on protein structure and function are either unavailable or do not agree on the potential impact of this missense change (SIFT: "Deleterious"; PolyPhen-2: "Not Available"; Align-GVGD: "Class C0"). In summary, the available evidence is currently insufficient to determine the role of this variant in disease. Therefore, it has been classified as a Variant of Uncertain Significance.

NM_001164508.2(NEB):c.1948T>C (p.Cys650Arg)

Gene: NEB (nebulin; minus strand). Cytogenetic location: 2q23.3.
Variant type: single nucleotide variant.
Coding change: c.1948T>C on transcript NM_001164508.2 (MANE Select); coding-DNA position 1948, T replaced by C.
Protein change: p.Cys650Arg; replaces cysteine 650 with arginine.
Molecular consequence: missense variant.
Genome position (GRCh38, 1-based): chr2:151,692,311, A>G on the plus strand (T>C on the coding strand, the complement: NEB is on the minus strand). VCF-style: chr2-151692311-A-G. GRCh37 (hg19) VCF-style: chr2-152548825-A-G.
Other names: c.1948T>C, p.Cys650Arg (NM_001164507.2, NM_001271208.2, NM_004543.5); short protein forms C650R.
Identifiers: ClinVar variation 2172640 (VCV002172640.1), dbSNP rs2552267921, ClinGen allele CA348824148.